The following is an entry in ClinVar:

ClinVar aggregate classification (germline): Uncertain significance (1 of 4 stars; one submission).

Allele frequency attached by ClinVar (database versions not stated): gnomAD exomes below 0.00001; ExAC 0.00001; gnomAD 0.00001.
gnomAD v4.1: 4 of 1,613,994 alleles (0.00025%); highest among the groups gnomAD compares: African/African-American, 0.004%; no homozygotes.

Submission:

Greenwood Genetic Center Diagnostic Laboratories, Greenwood Genetic Center
Classification: Uncertain significance. Last evaluated: 2020-11-23. Review status: criteria provided, single submitter. Criteria: ACMG Guidelines, 2015. Collection method: clinical testing. Allele origin: germline. Affected: yes.
Comment: No ACMG could be evidence applied

NM_170606.3(KMT2C):c.12506C>G (p.Pro4169Arg)

Gene: KMT2C (lysine methyltransferase 2C; minus strand). Cytogenetic location: 7q36.1.
Variant type: single nucleotide variant.
Coding change: c.12506C>G on transcript NM_170606.3 (MANE Select); coding-DNA position 12506, C replaced by G.
Protein change: p.Pro4169Arg; replaces proline 4169 with arginine.
Molecular consequence: missense variant.
Genome position (GRCh38, 1-based): chr7:152,152,725, G>C on the plus strand (C>G on the coding strand, the complement: KMT2C is on the minus strand). VCF-style: chr7-152152725-G-C. GRCh37 (hg19) VCF-style: chr7-151849810-G-C.
Other names: short protein forms P4169R.
Identifiers: ClinVar variation 1331524 (VCV001331524.4), dbSNP rs762116501, ClinGen allele CA4578789.